The following is an entry in ClinVar:

ClinVar aggregate classification (germline): Benign (1 of 4 stars; one submission).

Allele frequency attached by ClinVar (database versions not stated): TOPMed 0.92326; 1000 Genomes Project 30x 0.93004; gnomAD 0.93015 and 0.93491.

Submission:

GeneDx
Classification: Benign. Last evaluated: 2018-06-14. Review status: criteria provided, single submitter. Criteria: GeneDx Variant Classification (06012015). Collection method: clinical testing. Allele origin: germline. Affected: yes.
Comment: This variant is considered likely benign or benign based on one or more of the following criteria: it is a conservative change, it occurs at a poorly conserved position in the protein, it is predicted to be benign by multiple in silico algorithms, and/or has population frequency not consistent with disease.

NM_144670.6(A2ML1):c.1080+304_1080+305insT

Gene: A2ML1 (alpha-2-macroglobulin like 1; plus strand). Cytogenetic location: 12p13.31.
Variant type: Insertion.
Coding change: c.1080+304_1080+305insT on transcript NM_144670.6 (MANE Select); bases 304 to 305 of the intron after coding-DNA position 1080, T inserted.
Molecular consequence: intron variant.
Genome position: GRCh38 VCF-style: chr12-8839526-C-CT. GRCh37 (hg19) VCF-style: chr12-8992122-C-CT.
Identifiers: ClinVar variation 561809 (VCV000561809.1), dbSNP rs55754466, ClinGen allele CA232673544.
Genomic context (GRCh38, chr12:8,839,526, plus strand): 5'-CCAAATCCAGGAAGCCTGCCTCCCGGGTATACACTCTCCACTCCCTGTACTCTGCTGCCC[C>CT]AATCCCATAGAAGAAGTGCCTTGAATATTAATGACACCTTAGGGGTCTTTCTAATGCCAG-3'